The following is an entry in ClinVar:

ClinVar aggregate classification (germline): Uncertain significance (1 of 4 stars; one submission).

Allele frequency attached by ClinVar (database versions not stated): gnomAD 0.00001; TOPMed 0.00001.

Submission:

GeneDx
Classification: Uncertain significance. Last evaluated: 2020-06-24. Review status: criteria provided, single submitter. Criteria: GeneDx Variant Classification Process June 2021. Collection method: clinical testing. Allele origin: germline. Affected: yes.
Comment: Not observed in large population cohorts (Lek et al., 2016); Has not been previously published as pathogenic or benign to our knowledge; In-silico analysis is inconclusive as to whether the variant alters gene splicing. In the absence of RNA/functional studies, the actual effect of this sequence change is unknown.

NM_001267550.2(TTN):c.58607A>G (p.Lys19536Arg)

Genes: TTN (titin; minus strand), TTN-AS1 (TTN antisense RNA 1; plus strand). Cytogenetic location: 2q31.2.
Variant type: single nucleotide variant.
Coding change: c.58607A>G on transcript NM_001267550.2 (MANE Select); coding-DNA position 58607, A replaced by G.
Protein change: p.Lys19536Arg; replaces lysine 19536 with arginine.
Molecular consequence: missense variant.
Genome position (GRCh38, 1-based): chr2:178,593,693, T>C on the plus strand (A>G on the coding strand, the complement: TTN is on the minus strand). VCF-style: chr2-178593693-T-C. GRCh37 (hg19) VCF-style: chr2-179458420-T-C.
Other names: c.53684A>G, p.Lys17895Arg (NM_001256850.1); c.31412A>G, p.Lys10471Arg (NM_003319.4); c.50903A>G, p.Lys16968Arg (NM_133378.4); c.31787A>G, p.Lys10596Arg (NM_133432.3); c.31988A>G, p.Lys10663Arg (NM_133437.4); short protein forms K10471R, K10596R, K10663R, K16968R, K17895R, K19536R.
Identifiers: ClinVar variation 1312725 (VCV001312725.2), dbSNP rs1383536859, ClinGen allele CA349503945.
Genomic context (GRCh38, chr2:178,593,693, plus strand): 5'-GCATGTATCCGGAAAATATAATCTTTTCCTTCAAGTAGTTTAGAAACTTTGCATGTTGTT[T>C]TAGCACTTGCAGATGTCACTGGCATCCAGACGTCTTTACCCACTTCCTTCTTCTCAATAA-3'
Protein context (NP_001254479.2, residues 19526-19546): VWMPVTSASA[Lys19536Arg]TTCKVSKLLE